The following is an entry in ClinVar:

NM_005148.4(UNC119):c.220+15G>C

Gene: UNC119 (unc-119 lipid binding chaperone; minus strand). Cytogenetic location: 17q11.2.
Variant type: single nucleotide variant.
Coding change: c.220+15G>C on transcript NM_005148.4 (MANE Select); 15 bases into the intron after coding-DNA position 220, G replaced by C.
Molecular consequence: intron variant.
Genome position (GRCh38, 1-based): chr17:28,552,323, C>G on the plus strand (G>C on the coding strand, the complement: UNC119 is on the minus strand). VCF-style: chr17-28552323-C-G. GRCh37 (hg19) VCF-style: chr17-26879341-C-G.
Other names: c.220+15G>C (NM_054035.2); c.-94+15G>C (NM_001330166.2).
Identifiers: ClinVar variation 322470 (VCV000322470.13), dbSNP rs200265148, ClinGen allele CA8459893.

ClinVar aggregate classification (germline): Benign. Review status: criteria provided, multiple submitters, no conflicts (2 of 4 stars). 3 submissions from 3 submitters: Benign (3). Last evaluated 2026-01-27.

Conditions:
Cone-rod dystrophy. Also called: Cone/cone-rod dystrophy; Cone-rod degeneration. Identifiers: Orphanet 1872, MedGen C4085590, MONDO:0015993, HP:0000548.

Allele frequency attached by ClinVar (database versions not stated): gnomAD 0.00198 and 0.00239; ExAC 0.00269; TOPMed 0.00335; 1000 Genomes Project 30x 0.00593; 1000 Genomes Project 0.00619; gnomAD exomes 0.00654 and 0.00165.

Submissions (3):

Labcorp Genetics (formerly Invitae), Labcorp
Classification: Benign. Last evaluated: 2026-01-27. Review status: criteria provided, single submitter. Criteria: Invitae Variant Classification Sherloc (09022015). Collection method: clinical testing. Allele origin: germline.

Illumina Laboratory Services, Illumina
Classification: Benign for Cone-rod dystrophy. Last evaluated: 2018-01-13. Review status: criteria provided, single submitter. Criteria: ICSL Variant Classification Criteria 13 December 2019. Collection method: clinical testing. Allele origin: germline.
Comment: This variant was observed in the ICSL laboratory as part of a predisposition screen in an ostensibly healthy population. It had not been previously curated by ICSL or reported in the Human Gene Mutation Database (HGMD: prior to June 1st, 2018), and was therefore a candidate for classification through an automated scoring system. Utilizing variant allele frequency, disease prevalence and penetrance estimates, and inheritance mode, an automated score was calculated to assess if this variant is too frequent to cause the disease. Based on the score and internal cut-off values, a variant classified as benign is not then subjected to further curation. The score for this variant resulted in a classification of benign for this disease.

Breakthrough Genomics
Classification: Benign. Review status: criteria provided, single submitter. Criteria: ACMG Guidelines, 2015. Collection method: not provided. Allele origin: germline. Inheritance: Autosomal dominant inheritance. Affected: yes.